The following is an entry in ClinVar:

NM_005802.5(TOPORS):c.2434C>T (p.Pro812Ser)

Gene: TOPORS (TOP1 binding arginine/serine rich protein, E3 ubiquitin ligase; minus strand). Cytogenetic location: 9p21.1.
Variant type: single nucleotide variant.
Coding change: c.2434C>T on transcript NM_005802.5 (MANE Select); coding-DNA position 2434, C replaced by T.
Protein change: p.Pro812Ser; replaces proline 812 with serine.
Molecular consequence: missense variant.
Genome position (GRCh38, 1-based): chr9:32,542,091, G>A on the plus strand (C>T on the coding strand, the complement: TOPORS is on the minus strand). VCF-style: chr9-32542091-G-A. GRCh37 (hg19) VCF-style: chr9-32542089-G-A.
Other names: c.2434C>T (NM_005802.4); c.2239C>T, p.Pro747Ser (NM_001195622.2); short protein forms P812S, P747S.
Identifiers: ClinVar variation 1503874 (VCV001503874.10), dbSNP rs140148864, ClinGen allele CA5020371.
Genomic context (GRCh38, chr9:32,542,091, plus strand): 5'-ATTTTGATGAAGATTTTTGGTAATGACTGTCCTTTGCTTTAGAAGCAAATTCACGAGATG[G>A]CTGAGCCACTTCGTTAGTACCCTCCAAATGCCGTGTTTTGTATTTTCGTTTCCCTCCAGG-3'
Protein context (NP_005793.2, residues 802-822): HLEGTNEVAQ[Pro812Ser]SREFASKAKD

ClinVar aggregate classification (germline): Conflicting classifications of pathogenicity. Review status: criteria provided, conflicting classifications (1 of 4 stars). 3 submissions from 3 submitters: Uncertain significance (2); Likely benign (1). Last evaluated 2025-11-27.

Conditions:
Inborn genetic diseases. Identifiers: MedGen C0950123, MeSH D030342.

Allele frequency attached by ClinVar (database versions not stated): ExAC 0.00003; gnomAD exomes 0.00003; gnomAD 0.00015 and 0.00016; TOPMed 0.00019; ESP Exome Variant Server 0.00023.
gnomAD v4.1: 36 of 1,613,924 alleles (0.0022%); highest among the groups gnomAD compares: African/African-American, 0.039%; no homozygotes.

Submissions (3):

Labcorp Genetics (formerly Invitae), Labcorp
Classification: Uncertain significance. Last evaluated: 2025-11-27. Review status: criteria provided, single submitter. Criteria: Invitae Variant Classification Sherloc (09022015). Collection method: clinical testing. Allele origin: germline.
Comment: This sequence change replaces proline, which is neutral and non-polar, with serine, which is neutral and polar, at codon 812 of the TOPORS protein (p.Pro812Ser). This variant is present in population databases (rs140148864, gnomAD 0.04%). This variant has not been reported in the literature in individuals affected with TOPORS-related conditions. ClinVar contains an entry for this variant (Variation ID: 1503874). Experimental studies and prediction algorithms are not available or were not evaluated, and the functional significance of this variant is currently unknown. In summary, the available evidence is currently insufficient to determine the role of this variant in disease. Therefore, it has been classified as a Variant of Uncertain Significance.

Ambry Genetics
Classification: Uncertain significance for Inborn genetic diseases. Last evaluated: 2025-01-29. Review status: criteria provided, single submitter. Criteria: Ambry Variant Classification Scheme 2023. Collection method: clinical testing. Allele origin: germline.

Blueprint Genetics
Classification: Likely benign. Last evaluated: 2021-10-08. Review status: criteria provided, single submitter. Criteria: ACMG Guidelines, 2015. Collection method: clinical testing. Allele origin: germline.